The following is an entry in ClinVar:

ClinVar aggregate classification (germline): Uncertain significance (1 of 4 stars; one submission).

Submission:

Labcorp Genetics (formerly Invitae), Labcorp
Classification: Uncertain significance. Last evaluated: 2022-07-02. Review status: criteria provided, single submitter. Criteria: Invitae Variant Classification Sherloc (09022015). Collection method: clinical testing. Allele origin: germline.
Comment: This variant has not been reported in the literature in individuals affected with SMARCB1-related conditions. This variant is not present in population databases (gnomAD no frequency). This sequence change replaces histidine, which is basic and polar, with tyrosine, which is neutral and polar, at codon 68 of the SMARCB1 protein (p.His68Tyr). Algorithms developed to predict the effect of missense changes on protein structure and function (SIFT, PolyPhen-2, Align-GVGD) all suggest that this variant is likely to be tolerated. In summary, the available evidence is currently insufficient to determine the role of this variant in disease. Therefore, it has been classified as a Variant of Uncertain Significance.

NM_003073.5(SMARCB1):c.202C>T (p.His68Tyr)

Gene: SMARCB1 (SWI/SNF related BAF chromatin remodeling complex subunit B1; plus strand). Cytogenetic location: 22q11.23.
Variant type: single nucleotide variant.
Coding change: c.202C>T on transcript NM_003073.5 (MANE Select); coding-DNA position 202, C replaced by T.
Protein change: p.His68Tyr; replaces histidine 68 with tyrosine.
Molecular consequence: missense variant.
Genome position (GRCh38, 1-based): chr22:23,791,864, C>T. VCF-style: chr22-23791864-C-T. GRCh37 (hg19) VCF-style: chr22-24134051-C-T.
Other names: c.202C>T, p.His68Tyr (NM_001007468.3, NM_001317946.2, NM_001362877.2); short protein forms H68Y.
Identifiers: ClinVar variation 2013202 (VCV002013202.4), dbSNP rs2145960529, ClinGen allele CA410933060.